The following is an entry in ClinVar:

ClinVar aggregate classification (germline): Benign (1 of 4 stars; one submission).

Submission:

GeneDx
Classification: Benign. Last evaluated: 2018-06-14. Review status: criteria provided, single submitter. Criteria: GeneDx Variant Classification (06012015). Collection method: clinical testing. Allele origin: germline. Affected: yes.
Comment: This variant is considered likely benign or benign based on one or more of the following criteria: it is a conservative change, it occurs at a poorly conserved position in the protein, it is predicted to be benign by multiple in silico algorithms, and/or has population frequency not consistent with disease.

NM_015443.4(KANSL1):c.1290-139del

Gene: KANSL1 (KAT8 regulatory NSL complex subunit 1). Cytogenetic location: 17q21.31.
Variant type: Deletion.
Coding change: c.1290-139del on transcript NM_015443.4 (MANE Select); 139 bases into the intron before coding-DNA position 1290, one base deleted.
Molecular consequence: intron variant.
Genome position: GRCh38 VCF-style: chr17-46094839-CA-C. GRCh37 (hg19) VCF-style: chr17-44172205-CA-C.
Other names: c.1290-139del (NM_001193465.2, NM_001379198.1, NM_001193466.2).
Identifiers: ClinVar variation 670405 (VCV000670405.1), dbSNP rs66674327, ClinGen allele CA291149181.
Genomic context (GRCh38, chr17:46,094,839, plus strand): 5'-TAACTTTTAAAGGCCCTTGCAGAGACTAACTCTAGTGTCAAGAAAAACCCAAGAGAGAGA[CA>C]AGACACCTCCCGCTCATCAGGATGCACATGGATATAAACTTCCAAATAGGTATTTCCCAA-3'